The following is an entry in ClinVar:

ClinVar aggregate classification (germline): Uncertain significance. Review status: criteria provided, multiple submitters, no conflicts (2 of 4 stars). 2 submissions from 2 submitters: Uncertain significance (2). Last evaluated 2025-11-19.

Conditions:
Epidermolysis bullosa simplex with nail dystrophy (EBS5D). Identifiers: MedGen C4225309, MONDO:0014661, OMIM 616487.
Epidermolysis bullosa simplex, Ogna type (EBS5A). Also called: Pidermolysis bullosa simplex 5A, Ogna type; EPIDERMOLYSIS BULLOSA SIMPLEX 5A, OGNA TYPE. Identifiers: Orphanet 79401, MedGen C0432317, MONDO:0007555, OMIM 131950.
Autosomal recessive limb-girdle muscular dystrophy type 2Q (LGMDR17). Also called: MUSCULAR DYSTROPHY, LIMB-GIRDLE, AUTOSOMAL RECESSIVE 17. Identifiers: Orphanet 254361, MedGen C3150989, MONDO:0013390, OMIM 613723.
Epidermolysis bullosa simplex 5B, with muscular dystrophy (EBS5B). Also called: EPIDERMOLYSIS BULLOSA SIMPLEX AND LIMB-GIRDLE MUSCULAR DYSTROPHY; Epidermolysis bullosa simplex with muscular dystrophy. Identifiers: Orphanet 257, MedGen C2931072, MONDO:0009181, OMIM 226670.
Epidermolysis bullosa simplex 5C, with pyloric atresia (EBS5C). Also called: PLEC-Related Epidermolysis Bullosa with Pyloric Atresia; Epidermolysis bullosa simplex with pyloric atresia; PLEC1-Related Epidermolysis Bullosa with Pyloric Atresia. Identifiers: Orphanet 158684, MedGen C2677349, MONDO:0012807, OMIM 612138.
Inborn genetic diseases. Identifiers: MedGen C0950123, MeSH D030342.

Allele frequency attached by ClinVar (database versions not stated): gnomAD exomes 0.00001; gnomAD 0.00002; ExAC 0.00005.
gnomAD v4.1: 22 of 1,613,486 alleles (0.0014%); highest among the groups gnomAD compares: South Asian, 0.023%; no homozygotes.

Submissions (2):

Ambry Genetics
Classification: Uncertain significance for Inborn genetic diseases. Last evaluated: 2025-11-19. Review status: criteria provided, single submitter. Criteria: Ambry Variant Classification Scheme 2023. Collection method: clinical testing. Allele origin: germline.

Labcorp Genetics (formerly Invitae), Labcorp
Classification: Uncertain significance for Autosomal recessive limb-girdle muscular dystrophy type 2Q; Epidermolysis bullosa simplex, Ogna type; Epidermolysis bullosa simplex with nail dystrophy; Epidermolysis bullosa simplex 5C, with pyloric atresia; Epidermolysis bullosa simplex 5B, with muscular dystrophy. Last evaluated: 2023-06-14. Review status: criteria provided, single submitter. Criteria: Invitae Variant Classification Sherloc (09022015). Collection method: clinical testing. Allele origin: germline.
Comment: Algorithms developed to predict the effect of missense changes on protein structure and function output the following: SIFT: "Not Available"; PolyPhen-2: "Possibly Damaging"; Align-GVGD: "Not Available". The methionine amino acid residue is found in multiple mammalian species, which suggests that this missense change does not adversely affect protein function. In summary, the available evidence is currently insufficient to determine the role of this variant in disease. Therefore, it has been classified as a Variant of Uncertain Significance. This variant has not been reported in the literature in individuals affected with PLEC-related conditions. This variant is present in population databases (rs782483854, gnomAD 0.03%). This sequence change replaces valine, which is neutral and non-polar, with methionine, which is neutral and non-polar, at codon 3584 of the PLEC protein (p.Val3584Met).

NM_201384.3(PLEC):c.10669G>A (p.Val3557Met)

Gene: PLEC (plectin; minus strand). Cytogenetic location: 8q24.3.
Variant type: single nucleotide variant.
Coding change: c.10669G>A on transcript NM_201384.3 (MANE Select); coding-DNA position 10669, G replaced by A.
Protein change: p.Val3557Met; replaces valine 3557 with methionine.
Molecular consequence: missense variant.
Genome position (GRCh38, 1-based): chr8:143,919,152, C>T on the plus strand (G>A on the coding strand, the complement: PLEC is on the minus strand). VCF-style: chr8-143919152-C-T. GRCh37 (hg19) VCF-style: chr8-144993320-C-T.
Other names: c.10750G>A, p.Val3584Met (NM_000445.5); c.7369G>A, p.Val2457Met (NM_001410941.1); c.10627G>A, p.Val3543Met (NM_201378.4); c.10603G>A, p.Val3535Met (NM_201379.3); c.11080G>A, p.Val3694Met (NM_201380.4); c.10573G>A, p.Val3525Met (NM_201381.3); c.10750G>A (NM_000445.3); c.10669G>A, p.Val3557Met (NM_201382.4); and 1 more; short protein forms V2457M, V3584M, V3535M, V3694M, V3557M, V3525M, V3543M, V3561M.
Identifiers: ClinVar variation 2939714 (VCV002939714.4), dbSNP rs782483854, ClinGen allele CA4924569.